The following is an entry in ClinVar:

ClinVar aggregate classification (germline): Likely benign. Review status: criteria provided, multiple submitters, no conflicts (2 of 4 stars). 3 submissions from 3 submitters: Likely benign (3). Last evaluated 2023-11-10.

Conditions:
Wiskott-Aldrich syndrome 2 (WAS2). Also called: WIPF1 DEFICIENCY. Identifiers: Orphanet 906, MedGen C3281001, MONDO:0013779, OMIM 614493.

Allele frequency attached by ClinVar (database versions not stated): ExAC 0.00001; gnomAD exomes 0.00001 and 0.00002; TOPMed 0.00001; ESP Exome Variant Server 0.00008.
gnomAD v4.1: 34 of 1,611,942 alleles (0.0021%); highest among the groups gnomAD compares: Admixed American, 0.0033%; no homozygotes.

Submissions (3):

Blueprint Genetics
Classification: Likely benign. Last evaluated: 2023-11-10. Review status: criteria provided, single submitter. Criteria: ACMG Guidelines, 2015. Collection method: clinical testing. Allele origin: germline.

Labcorp Genetics (formerly Invitae), Labcorp
Classification: Likely benign for Wiskott-Aldrich syndrome 2. Last evaluated: 2023-08-04. Review status: criteria provided, single submitter. Criteria: Invitae Variant Classification Sherloc (09022015). Collection method: clinical testing. Allele origin: germline.

CeGaT Center for Human Genetics Tuebingen
Classification: Likely benign. Last evaluated: 2022-12-01. Review status: criteria provided, single submitter. Criteria: CeGaT Center For Human Genetics Tuebingen Variant Classification Criteria Version 2. Collection method: clinical testing. Allele origin: germline. Affected: yes. Observed: 1 variant allele.
Comment: WIPF1: BP4, BP7

NM_001375834.1(WIPF1):c.207C>T (p.Gly69=)

Genes: WIPF1 (WAS/WASL interacting protein family member 1; minus strand), WIPF1-AS1 (WIPF1 and CHRNA1 antisense RNA 1; plus strand). Cytogenetic location: 2q31.1.
Variant type: single nucleotide variant.
Coding change: c.207C>T on transcript NM_001375834.1 (MANE Select); coding-DNA position 207, C replaced by T.
Protein change: p.Gly69=; no amino-acid change (glycine 69 retained).
Molecular consequence: synonymous variant. On other transcripts: intron variant (1).
Genome position (GRCh38, 1-based): chr2:174,575,355, G>A on the plus strand (C>T on the coding strand, the complement: WIPF1 is on the minus strand). VCF-style: chr2-174575355-G-A. GRCh37 (hg19) VCF-style: chr2-175440083-G-A.
Other names: c.207C>T, p.Gly69= (NM_001077269.1, NM_001375832.1, NM_001375833.1 and 5 more transcripts); c.182-3110C>T (NM_001375839.1).
Identifiers: ClinVar variation 733950 (VCV000733950.31), dbSNP rs138616786, ClinGen allele CA1974201.